The following is an entry in ClinVar:

ClinVar aggregate classification (germline): Uncertain significance (1 of 4 stars; one submission).

Conditions:
Dilated cardiomyopathy 1II (CMD1II). Identifiers: Orphanet 154, MedGen C3554649, MONDO:0014073, OMIM 615184.

Allele frequency attached by ClinVar (database versions not stated): TOPMed below 0.00001; gnomAD 0.00001; ExAC 0.00002; ESP Exome Variant Server 0.00008.
gnomAD v4.1: 5 of 1,583,156 alleles (0.00032%); highest among the groups gnomAD compares: African/African-American, 0.0013%; no homozygotes.

Submission:

Labcorp Genetics (formerly Invitae), Labcorp
Classification: Uncertain significance for Dilated cardiomyopathy 1II. Last evaluated: 2022-08-30. Review status: criteria provided, single submitter. Criteria: Invitae Variant Classification Sherloc (09022015). Collection method: clinical testing. Allele origin: germline.
Comment: In summary, the available evidence is currently insufficient to determine the role of this variant in disease. Therefore, it has been classified as a Variant of Uncertain Significance. Algorithms developed to predict the effect of missense changes on protein structure and function (SIFT, PolyPhen-2, Align-GVGD) all suggest that this variant is likely to be tolerated. This variant has not been reported in the literature in individuals affected with CRYAB-related conditions. This variant is present in population databases (rs370579035, gnomAD 0.002%). This sequence change replaces isoleucine, which is neutral and non-polar, with valine, which is neutral and non-polar, at codon 3 of the CRYAB protein (p.Ile3Val).

NM_001289808.2(CRYAB):c.7A>G (p.Ile3Val)

Gene: CRYAB (crystallin alpha B; minus strand). Cytogenetic location: 11q23.1.
Variant type: single nucleotide variant.
Coding change: c.7A>G on transcript NM_001289808.2 (MANE Select); coding-DNA position 7, A replaced by G.
Protein change: p.Ile3Val; replaces isoleucine 3 with valine.
Molecular consequence: missense variant.
Genome position (GRCh38, 1-based): chr11:111,911,718, T>C on the plus strand (A>G on the coding strand, the complement: CRYAB is on the minus strand). VCF-style: chr11-111911718-T-C. GRCh37 (hg19) VCF-style: chr11-111782442-T-C.
Other names: c.7A>G, p.Ile3Val (NM_001289807.1, NM_001368245.1, NM_001885.3); short protein forms I3V.
Identifiers: ClinVar variation 1946812 (VCV001946812.5), dbSNP rs370579035, ClinGen allele CA6275589.